The following is an entry in ClinVar:

NM_022132.5(MCCC2):c.1537T>C (p.Phe513Leu)

Gene: MCCC2 (methylcrotonyl-CoA carboxylase subunit 2; plus strand). Cytogenetic location: 5q13.2.
Variant type: single nucleotide variant.
Coding change: c.1537T>C on transcript NM_022132.5 (MANE Select); coding-DNA position 1537, T replaced by C.
Protein change: p.Phe513Leu; replaces phenylalanine 513 with leucine.
Molecular consequence: missense variant.
Genome position (GRCh38, 1-based): chr5:71,652,717, T>C. VCF-style: chr5-71652717-T-C. GRCh37 (hg19) VCF-style: chr5-70948544-T-C.
Other names: c.1423T>C, p.Phe475Leu (NM_001363147.1); short protein forms F513L, F475L.
Identifiers: ClinVar variation 3666064 (VCV003666064.2).
Genomic context (GRCh38, chr5:71,652,717, plus strand): 5'-CTTTTCCTTTAGTTCTCCAGTGCTGATGAAGCGGCTTTAAAAGAGCCCATCATTAAGAAG[T>C]TTGAAGAGGAAGGAAACCCTTACTATTCCAGCGCAAGGTGGGGGCCAGAACATCACTAAC-3'
Protein context (NP_071415.1, residues 503-523): AALKEPIIKK[Phe513Leu]EEEGNPYYSS

ClinVar aggregate classification (germline): Uncertain significance (1 of 4 stars; one submission).

Conditions:
3-methylcrotonyl-CoA carboxylase 2 deficiency. Also called: METHYLCROTONYLGLYCINURIA, TYPE II; 3 alpha methylcrotonyl-CoA carboxylase 2 deficiency; 3 alpha methylcrotonylglycinuria 2; MCC 2 deficiency; Methylcrotonylglycinuria type 2. Identifiers: Orphanet 6, MedGen C1859499, MONDO:0008862, OMIM 210210.

Submission:

Labcorp Genetics (formerly Invitae), Labcorp
Classification: Uncertain significance for 3-methylcrotonyl-CoA carboxylase 2 deficiency. Last evaluated: 2025-01-10. Review status: criteria provided, single submitter. Criteria: Invitae Variant Classification Sherloc (09022015). Collection method: clinical testing. Allele origin: germline.
Comment: This sequence change replaces phenylalanine, which is neutral and non-polar, with leucine, which is neutral and non-polar, at codon 513 of the MCCC2 protein (p.Phe513Leu). This variant is not present in population databases (gnomAD no frequency). This variant has not been reported in the literature in individuals affected with MCCC2-related conditions. Invitae Evidence Modeling of protein sequence and biophysical properties (such as structural, functional, and spatial information, amino acid conservation, physicochemical variation, residue mobility, and thermodynamic stability) indicates that this missense variant is not expected to disrupt MCCC2 protein function with a negative predictive value of 80%. In summary, the available evidence is currently insufficient to determine the role of this variant in disease. Therefore, it has been classified as a Variant of Uncertain Significance.